The following is an entry in ClinVar:

ClinVar aggregate classification (germline): Likely pathogenic (1 of 4 stars; one submission).

Conditions:
Vici syndrome (VICIS). Identifiers: Orphanet 1493, MedGen C1855772, MONDO:0009452, OMIM 242840.

Submission:

Women's Health and Genetics/Laboratory Corporation of America, LabCorp
Classification: Likely pathogenic for Vici syndrome. Last evaluated: 2025-03-05. Review status: criteria provided, single submitter. Criteria: LabCorp Variant Classification Summary - May 2015. Collection method: clinical testing. Allele origin: germline.
Comment: Variant summary: EPG5 c.3693G>A (p.Gln1231Gln) alters a conserved nucleotide located close to a canonical splice site and therefore could affect mRNA splicing, leading to a significantly altered protein sequence. Several computational tools predict a significant impact on normal splicing: Two predict the variant abolishes a 5' splicing donor site. Two predict the variant weakens a 5' donor site. However, these predictions have yet to be confirmed by functional studies. The variant was absent in 248878 control chromosomes. c.3693G>A has been reported in the literature in two homozygous individuals affected with Vici Syndrome (Byrne_2016, Alzahrani_2018). These data indicate that the variant is likely to be associated with disease. To our knowledge, no experimental evidence demonstrating an impact on protein function has been reported. The following publications have been ascertained in the context of this evaluation (PMID: 29983806, 26917586). No submitters have cited clinical-significance assessments for this variant to ClinVar. Based on the evidence outlined above, the variant was classified as likely pathogenic.

Literature cited by the submitters: PubMed 29983806; PubMed 26917586.

NM_020964.3(EPG5):c.3693G>A (p.Gln1231=)

Gene: EPG5 (ectopic P-granules 5 autophagy tethering factor; minus strand). Cytogenetic location: 18q21.1.
Variant type: single nucleotide variant.
Coding change: c.3693G>A on transcript NM_020964.3 (MANE Select); coding-DNA position 3693, G replaced by A.
Protein change: p.Gln1231=; no amino-acid change (glutamine 1231 retained).
Molecular consequence: synonymous variant.
Genome position (GRCh38, 1-based): chr18:45,915,511, C>T on the plus strand (G>A on the coding strand, the complement: EPG5 is on the minus strand). VCF-style: chr18-45915511-C-T. GRCh37 (hg19) VCF-style: chr18-43495476-C-T.
Other names: c.3693G>A, p.Gln1231= (NM_001410858.1, NM_001410859.1).
Identifiers: ClinVar variation 3895821 (VCV003895821.1).
Genomic context (GRCh38, chr18:45,915,511, plus strand): 5'-GATGATCATGAGATTAAAGTTCACAAAGATAACAAATGATCCTCTCAGTGAGTTTCCTAC[C>T]TGAGTGGGCGTGGCCAAGCCCTCCACAAAGGAAGGAGTGATGTTGCCTGCCACAATCCAG-3'
Protein context (NP_066015.2, residues 1221-1241): SFVEGLATPT[Gln1231=]VWFAWTVLNM